The following is an entry in ClinVar:

NM_016263.4(FZR1):c.915G>A (p.Ser305=)

Gene: FZR1 (fizzy and cell division cycle 20 related 1; plus strand). Cytogenetic location: 19p13.3.
Variant type: single nucleotide variant.
Coding change: c.915G>A on transcript NM_016263.4 (MANE Select); coding-DNA position 915, G replaced by A.
Protein change: p.Ser305=; no amino-acid change (serine 305 retained).
Molecular consequence: synonymous variant.
Genome position (GRCh38, 1-based): chr19:3,532,002, G>A. VCF-style: chr19-3532002-G-A. GRCh37 (hg19) VCF-style: chr19-3532000-G-A.
Other names: c.648G>A, p.Ser216= (NM_001136197.1); c.915G>A, p.Ser305= (NM_001136198.1).
Identifiers: ClinVar variation 3344867 (VCV003344867.1).

ClinVar aggregate classification (germline): Benign (0 of 4 stars; one submission).

Conditions:
FZR1-related condition.

gnomAD v4.1: 405 of 1,566,122 alleles (0.026%); highest among the groups gnomAD compares: African/African-American, 0.45%; 1 homozygote.

Submission:

PreventionGenetics, part of Exact Sciences
Classification: Benign for FZR1-related condition. Last evaluated: 2024-06-21. Review status: no assertion criteria provided. Collection method: clinical testing. Allele origin: germline.
Comment: This variant is classified as benign based on ACMG/AMP sequence variant interpretation guidelines (Richards et al. 2015 PMID: 25741868, with internal and published modifications).